The following is an entry in ClinVar:

NM_198334.3(GANAB):c.2484C>G (p.Ile828Met)

Gene: GANAB (glucosidase II alpha subunit; minus strand). Cytogenetic location: 11q12.3.
Variant type: single nucleotide variant.
Coding change: c.2484C>G on transcript NM_198334.3 (MANE Select); coding-DNA position 2484, C replaced by G.
Protein change: p.Ile828Met; replaces isoleucine 828 with methionine.
Molecular consequence: missense variant.
Genome position (GRCh38, 1-based): chr11:62,626,598, G>C on the plus strand (C>G on the coding strand, the complement: GANAB is on the minus strand). VCF-style: chr11-62626598-G-C. GRCh37 (hg19) VCF-style: chr11-62394070-G-C.
Other names: c.2208C>G, p.Ile736Met (NM_001278192.2); c.2142C>G, p.Ile714Met (NM_001278193.2); c.2193C>G, p.Ile731Met (NM_001278194.2, NM_001329222.2, NM_001329223.2); c.1761C>G, p.Ile587Met (NM_001329224.2, NM_001329225.2); c.2550C>G, p.Ile850Met (NM_198335.4); short protein forms I587M, I714M, I731M, I736M, I828M, I850M.
Identifiers: ClinVar variation 2636420 (VCV002636420.1), dbSNP rs201513450, ClinGen allele CA6050443.

ClinVar aggregate classification (germline): Uncertain significance (1 of 4 stars; one submission).

Conditions:
GANAB-related disorder. Also called: GANAB-related condition.

Allele frequency attached by ClinVar (database versions not stated): gnomAD 0.00003; TOPMed 0.00005; gnomAD exomes 0.00008; ExAC 0.00012; 1000 Genomes Project 30x 0.00031; 1000 Genomes Project 0.00040.
gnomAD v4.1: 115 of 1,610,844 alleles (0.0071%); highest among the groups gnomAD compares: East Asian, 0.25%; no homozygotes.

Submission:

PreventionGenetics, part of Exact Sciences
Classification: Uncertain significance for GANAB-related condition. Last evaluated: 2023-04-24. Review status: criteria provided, single submitter. Criteria: ACMG Guidelines, 2015. Collection method: clinical testing. Allele origin: germline.
Comment: The GANAB c.2550C>G variant is predicted to result in the amino acid substitution p.Ile850Met. To our knowledge, this variant has not been reported in the literature. This variant is reported in 0.098% of alleles in individuals of East Asian descent in gnomAD. At this time, the clinical significance of this variant is uncertain due to the absence of conclusive functional and genetic evidence.